The following is an entry in ClinVar:

ClinVar aggregate classification (germline): Conflicting classifications of pathogenicity. Review status: criteria provided, conflicting classifications (1 of 4 stars). 2 submissions from 2 submitters: Uncertain significance (1); Likely benign (1). Last evaluated 2025-11-29.

Conditions:
3-methylglutaconic aciduria with deafness, encephalopathy, and Leigh-like syndrome (MEGDEL). Also called: 3-METHYLGLUTACONIC ACIDURIA, TYPE VI; MEGDEL syndrome; SERAC1 Deficiency. Identifiers: Orphanet 352328, MedGen C4040739, MONDO:0013875, OMIM 614739.
SERAC1-related disorder. Also called: SERAC1-related disorders; SERAC1-related condition.

gnomAD v4.1: 14 of 1,612,424 alleles (0.00087%); highest among the groups gnomAD compares: African/African-American, 0.015%; no homozygotes.

Submissions (2):

PreventionGenetics, part of Exact Sciences
Classification: Likely benign for SERAC1-related condition. Last evaluated: 2025-11-29. Review status: criteria provided, single submitter. Criteria: ACMG Guidelines, 2015. Collection method: clinical testing. Allele origin: germline.
Comment: This variant is classified as likely benign based on ACMG/AMP sequence variant interpretation guidelines (Richards et al. 2015 PMID: 25741868, with internal and published modifications).

Labcorp Genetics (formerly Invitae), Labcorp
Classification: Uncertain significance for 3-methylglutaconic aciduria with deafness, encephalopathy, and Leigh-like syndrome. Last evaluated: 2022-07-02. Review status: criteria provided, single submitter. Criteria: Invitae Variant Classification Sherloc (09022015). Collection method: clinical testing. Allele origin: germline.
Comment: This variant has not been reported in the literature in individuals affected with SERAC1-related conditions. This variant is present in population databases (rs755406082, gnomAD 0.02%). This sequence change falls in intron 14 of the SERAC1 gene. It does not directly change the encoded amino acid sequence of the SERAC1 protein. It affects a nucleotide within the consensus splice site. ClinVar contains an entry for this variant (Variation ID: 1431015). In summary, the available evidence is currently insufficient to determine the role of this variant in disease. Therefore, it has been classified as a Variant of Uncertain Significance. Variants that disrupt the consensus splice site are a relatively common cause of aberrant splicing (PMID: 17576681, 9536098). Algorithms developed to predict the effect of sequence changes on RNA splicing suggest that this variant may disrupt the consensus splice site.

Literature cited by the submitters: PubMed 17576681 (cited by Labcorp Genetics (formerly Invitae), Labcorp); PubMed 9536098 (cited by Labcorp Genetics (formerly Invitae), Labcorp).

NM_032861.4(SERAC1):c.1501+4A>G

Gene: SERAC1 (serine active site containing 1; minus strand). Cytogenetic location: 6q25.3.
Variant type: single nucleotide variant.
Coding change: c.1501+4A>G on transcript NM_032861.4 (MANE Select); 4 bases into the intron after coding-DNA position 1501, A replaced by G.
Molecular consequence: intron variant.
Genome position (GRCh38, 1-based): chr6:158,116,181, T>C on the plus strand (A>G on the coding strand, the complement: SERAC1 is on the minus strand). VCF-style: chr6-158116181-T-C. GRCh37 (hg19) VCF-style: chr6-158537213-T-C.
Other names: c.1501+4A>G (NM_032861.3).
Identifiers: ClinVar variation 1431015 (VCV001431015.5), dbSNP rs755406082, ClinGen allele CA4071058.
Genomic context (GRCh38, chr6:158,116,181, plus strand): 5'-GTTGGCCACAGTGGCTGAAAATAACATCACAATGGCCACTTCACAAAGTTGAAGCCACAC[T>C]TACCTCCCATGCTATGTGATATCCAAACCACTGGCCTATCCCCAACACCAGCAGCTCTGA-3'